The following is an entry in ClinVar:

ClinVar aggregate classification (germline): Likely benign (1 of 4 stars; one submission).

Allele frequency attached by ClinVar (database versions not stated): TOPMed 0.00003; gnomAD 0.00005; ExAC 0.00016.
gnomAD v4.1: 219 of 1,613,682 alleles (0.014%); highest among the groups gnomAD compares: Middle Eastern, 0.3%; no homozygotes.

Submission:

CeGaT Center for Human Genetics Tuebingen
Classification: Likely benign. Last evaluated: 2024-02-01. Review status: criteria provided, single submitter. Criteria: CeGaT Center For Human Genetics Tuebingen Variant Classification Criteria Version 2. Collection method: clinical testing. Allele origin: germline. Affected: yes. Observed: 1 variant allele.
Comment: ZFP1: BP4, BP7

NM_153688.4(ZFP1):c.6C>T (p.Asn2=)

Gene: ZFP1 (ZFP1 zinc finger protein; plus strand). Cytogenetic location: 16q23.1.
Variant type: single nucleotide variant.
Coding change: c.6C>T on transcript NM_153688.4 (MANE Select); coding-DNA position 6, C replaced by T.
Protein change: p.Asn2=; no amino-acid change (asparagine 2 retained).
Molecular consequence: synonymous variant. On other transcripts: 5 prime UTR variant (3), intron variant (1).
Genome position (GRCh38, 1-based): chr16:75,152,957, C>T. VCF-style: chr16-75152957-C-T. GRCh37 (hg19) VCF-style: chr16-75186855-C-T.
Other names: c.6C>T, p.Asn2= (NM_001318469.2, NM_001318475.2, NM_001318476.2); c.-169C>T (NM_001318471.2); c.-33C>T (NM_001318473.2, NM_001318474.2); c.-85+4314C>T (NM_001318472.2).
Identifiers: ClinVar variation 2646868 (VCV002646868.24), dbSNP rs765865676, ClinGen allele CA8172788.